The following is an entry in ClinVar:

ClinVar aggregate classification (germline): Pathogenic (1 of 4 stars; one submission).

Conditions:
Deafness-lymphedema-leukemia syndrome. Also called: Emberger syndrome; Lymphedema, primary, with myelodysplasia. Identifiers: Orphanet 3226, MedGen C3279664, MONDO:0013540, OMIM 614038.
GATA2 deficiency with susceptibility to MDS/AML. Identifiers: MedGen CN300066, MONDO:0042982.

Submission:

Molecular Pathology Research Laboratory, SA Pathology
Classification: Pathogenic for GATA2 deficiency with susceptibility to MDS/AML; Deafness-lymphedema-leukemia syndrome. Last evaluated: 2021-07-06. Review status: criteria provided, single submitter. Criteria: ACMG Guidelines, 2015. Collection method: curation. Allele origin: de novo. Inheritance: Autosomal dominant inheritance. Affected: yes. Observed: 1 variant allele.
Comment: PVS1, PS2, PS4_Supporting, PM2

Literature cited by the submitters: PubMed 29178327.

NM_032638.5(GATA2):c.1017+2T>C

Gene: GATA2 (GATA binding protein 2; minus strand). Cytogenetic location: 3q21.3.
Variant type: single nucleotide variant.
Coding change: c.1017+2T>C on transcript NM_032638.5 (MANE Select); the canonical splice donor site of the intron after coding-DNA position 1017, T replaced by C.
Molecular consequence: splice donor variant.
Genome position (GRCh38, 1-based): chr3:128,483,858, A>G on the plus strand (T>C on the coding strand, the complement: GATA2 is on the minus strand). VCF-style: chr3-128483858-A-G. GRCh37 (hg19) VCF-style: chr3-128202701-A-G.
Other names: c.1017+2T>C (NM_001145662.1, NM_001145661.2).
Identifiers: ClinVar variation 1184155 (VCV001184155.1), dbSNP rs1576746830, ClinGen allele CA354404218.
Genomic context (GRCh38, chr3:128,483,858, plus strand): 5'-CTGTAATTAACCGCCAGCTCCTGCCCAGCAGCCCCCTCCCAGCCACCTGTGCCCGCTCCT[A>G]CCAGTCTTCGCTTGGGCTTGATGAGTGGTCGGTTCTGCCCATTCATCTTGTGGTAGAGGC-3'